The following is an entry in ClinVar:

ClinVar aggregate classification (germline): Uncertain significance (1 of 4 stars; one submission).

Conditions:
Epidermolysis bullosa simplex 5B, with muscular dystrophy (EBS5B). Also called: EPIDERMOLYSIS BULLOSA SIMPLEX AND LIMB-GIRDLE MUSCULAR DYSTROPHY; Epidermolysis bullosa simplex with muscular dystrophy. Identifiers: Orphanet 257, MedGen C2931072, MONDO:0009181, OMIM 226670.
Epidermolysis bullosa simplex, Ogna type (EBS5A). Also called: Pidermolysis bullosa simplex 5A, Ogna type; EPIDERMOLYSIS BULLOSA SIMPLEX 5A, OGNA TYPE. Identifiers: Orphanet 79401, MedGen C0432317, MONDO:0007555, OMIM 131950.
Epidermolysis bullosa simplex with nail dystrophy (EBS5D). Identifiers: MedGen C4225309, MONDO:0014661, OMIM 616487.
Epidermolysis bullosa simplex 5C, with pyloric atresia (EBS5C). Also called: PLEC1-Related Epidermolysis Bullosa with Pyloric Atresia; Epidermolysis bullosa simplex with pyloric atresia; PLEC-Related Epidermolysis Bullosa with Pyloric Atresia. Identifiers: Orphanet 158684, MedGen C2677349, MONDO:0012807, OMIM 612138.
Autosomal recessive limb-girdle muscular dystrophy type 2Q (LGMDR17). Also called: MUSCULAR DYSTROPHY, LIMB-GIRDLE, AUTOSOMAL RECESSIVE 17. Identifiers: Orphanet 254361, MedGen C3150989, MONDO:0013390, OMIM 613723.

Allele frequency attached by ClinVar (database versions not stated): gnomAD exomes 0.00001; TOPMed 0.00001; gnomAD 0.00002.
gnomAD v4.1: 16 of 1,610,706 alleles (0.00099%); highest among the groups gnomAD compares: Non-Finnish European, 0.0012%; no homozygotes.

Submission:

Labcorp Genetics (formerly Invitae), Labcorp
Classification: Uncertain significance for Autosomal recessive limb-girdle muscular dystrophy type 2Q; Epidermolysis bullosa simplex, Ogna type; Epidermolysis bullosa simplex with nail dystrophy; Epidermolysis bullosa simplex 5C, with pyloric atresia; Epidermolysis bullosa simplex 5B, with muscular dystrophy. Last evaluated: 2022-12-26. Review status: criteria provided, single submitter. Criteria: Invitae Variant Classification Sherloc (09022015). Collection method: clinical testing. Allele origin: germline.
Comment: In summary, the available evidence is currently insufficient to determine the role of this variant in disease. Therefore, it has been classified as a Variant of Uncertain Significance. Algorithms developed to predict the effect of missense changes on protein structure and function (SIFT, PolyPhen-2, Align-GVGD) all suggest that this variant is likely to be disruptive. ClinVar contains an entry for this variant (Variation ID: 1422431). This variant has not been reported in the literature in individuals affected with PLEC-related conditions. This variant is present in population databases (no rsID available, gnomAD 0.002%). This sequence change replaces leucine, which is neutral and non-polar, with valine, which is neutral and non-polar, at codon 2205 of the PLEC protein (p.Leu2205Val).

NM_201384.3(PLEC):c.6532C>G (p.Leu2178Val)

Gene: PLEC (plectin; minus strand). Cytogenetic location: 8q24.3.
Variant type: single nucleotide variant.
Coding change: c.6532C>G on transcript NM_201384.3 (MANE Select); coding-DNA position 6532, C replaced by G.
Protein change: p.Leu2178Val; replaces leucine 2178 with valine.
Molecular consequence: missense variant.
Genome position (GRCh38, 1-based): chr8:143,923,397, G>C on the plus strand (C>G on the coding strand, the complement: PLEC is on the minus strand). VCF-style: chr8-143923397-G-C. GRCh37 (hg19) VCF-style: chr8-144997565-G-C.
Other names: c.6613C>G, p.Leu2205Val (NM_000445.5); c.6490C>G, p.Leu2164Val (NM_201378.4); c.6466C>G, p.Leu2156Val (NM_201379.3); c.6943C>G, p.Leu2315Val (NM_201380.4); c.6436C>G, p.Leu2146Val (NM_201381.3); c.6532C>G, p.Leu2178Val (NM_201382.4); c.6544C>G, p.Leu2182Val (NM_201383.3); short protein forms L2315V, L2156V, L2182V, L2146V, L2164V, L2178V, L2205V.
Identifiers: ClinVar variation 1422431 (VCV001422431.8), dbSNP rs1261275363, ClinGen allele CA372533560.